The following is an entry in ClinVar:

NM_005251.3(FOXC2):c.1168C>A (p.Gln390Lys)

Gene: FOXC2 (forkhead box C2; plus strand). Cytogenetic location: 16q24.1.
Variant type: single nucleotide variant.
Coding change: c.1168C>A on transcript NM_005251.3 (MANE Select); coding-DNA position 1168, C replaced by A.
Protein change: p.Gln390Lys; replaces glutamine 390 with lysine.
Molecular consequence: missense variant.
Genome position (GRCh38, 1-based): chr16:86,568,503, C>A. VCF-style: chr16-86568503-C-A. GRCh37 (hg19) VCF-style: chr16-86602109-C-A.
Other names: short protein forms Q390K.
Identifiers: ClinVar variation 2719165 (VCV002719165.3), dbSNP rs1974234237, ClinGen allele CA397009595.

ClinVar aggregate classification (germline): Uncertain significance (1 of 4 stars; one submission).

Allele frequency attached by ClinVar (database versions not stated): TOPMed 0.00001.

Submission:

Labcorp Genetics (formerly Invitae), Labcorp
Classification: Uncertain significance. Last evaluated: 2024-01-20. Review status: criteria provided, single submitter. Criteria: Invitae Variant Classification Sherloc (09022015). Collection method: clinical testing. Allele origin: germline.
Comment: This sequence change replaces glutamine, which is neutral and polar, with lysine, which is basic and polar, at codon 390 of the FOXC2 protein (p.Gln390Lys). This variant is not present in population databases (gnomAD no frequency). This variant has not been reported in the literature in individuals affected with FOXC2-related conditions. An algorithm developed to predict the effect of missense changes on protein structure and function (PolyPhen-2) suggests that this variant is likely to be tolerated. In summary, the available evidence is currently insufficient to determine the role of this variant in disease. Therefore, it has been classified as a Variant of Uncertain Significance.